The following is an entry in ClinVar:

ClinVar aggregate classification (germline): Uncertain significance (1 of 4 stars; one submission).

Allele frequency attached by ClinVar (database versions not stated): gnomAD exomes below 0.00001; ExAC 0.00001.
gnomAD v4.1: 2 of 1,614,114 alleles (0.00012%); highest among the groups gnomAD compares: South Asian, 0.0022%; no homozygotes.

Submission:

Athena Diagnostics
Classification: Uncertain significance. Last evaluated: 2022-12-28. Review status: criteria provided, single submitter. Criteria: Athena Diagnostics Criteria. Collection method: clinical testing. Allele origin: unknown.
Comment: Available data are insufficient to determine the clinical significance of the variant at this time. The frequency of this variant in the general population is uninformative in assessment of its pathogenicity. Computational tools predict that this variant is not damaging.

NM_182961.4(SYNE1):c.8513T>C (p.Ile2838Thr)

Genes: SYNE1 (spectrin repeat containing nuclear envelope protein 1; minus strand), LOC126859838 (CDK7 strongly-dependent group 2 enhancer GRCh37_chr6:152706655-152707854; plus strand). Cytogenetic location: 6q25.2.
Variant type: single nucleotide variant.
Coding change: c.8513T>C on transcript NM_182961.4 (MANE Select); coding-DNA position 8513, T replaced by C.
Protein change: p.Ile2838Thr; replaces isoleucine 2838 with threonine.
Molecular consequence: missense variant.
Genome position (GRCh38, 1-based): chr6:152,385,813, A>G on the plus strand (T>C on the coding strand, the complement: SYNE1 is on the minus strand). VCF-style: chr6-152385813-A-G. GRCh37 (hg19) VCF-style: chr6-152706948-A-G.
Other names: c.8534T>C, p.Ile2845Thr (NM_033071.5); short protein forms I2838T, I2845T.
Identifiers: ClinVar variation 2684064 (VCV002684064.1), dbSNP rs757768993, ClinGen allele CA4057528.